The following is an entry in ClinVar:

ClinVar aggregate classification (germline): Uncertain significance (1 of 4 stars; one submission).

Conditions:
Early-onset Lafora body disease. Also called: Epilepsy, progressive myoclonic, 10. Identifiers: Orphanet 324290, MedGen C4225258, MONDO:0014717, OMIM 616640.

Allele frequency attached by ClinVar (database versions not stated): gnomAD 0.00002; TOPMed 0.00009; gnomAD exomes 0.00011 and 0.00025; ExAC 0.00018.
gnomAD v4.1: 74 of 1,613,812 alleles (0.0046%); highest among the groups gnomAD compares: Admixed American, 0.12%; no homozygotes.

Submission:

Labcorp Genetics (formerly Invitae), Labcorp
Classification: Uncertain significance for Early-onset Lafora body disease. Last evaluated: 2022-10-13. Review status: criteria provided, single submitter. Criteria: Invitae Variant Classification Sherloc (09022015). Collection method: clinical testing. Allele origin: germline.
Comment: This sequence change replaces glycine, which is neutral and non-polar, with aspartic acid, which is acidic and polar, at codon 9 of the PRDM8 protein (p.Gly9Asp). This variant is present in population databases (rs756625230, gnomAD 0.2%). This variant has not been reported in the literature in individuals affected with PRDM8-related conditions. ClinVar contains an entry for this variant (Variation ID: 475679). Advanced modeling of protein sequence and biophysical properties (such as structural, functional, and spatial information, amino acid conservation, physicochemical variation, residue mobility, and thermodynamic stability) performed at Invitae indicates that this missense variant is not expected to disrupt PRDM8 protein function. In summary, the available evidence is currently insufficient to determine the role of this variant in disease. Therefore, it has been classified as a Variant of Uncertain Significance.

NM_001099403.2(PRDM8):c.26G>A (p.Gly9Asp)

Gene: PRDM8 (PR/SET domain 8; plus strand). Cytogenetic location: 4q21.21.
Variant type: single nucleotide variant.
Coding change: c.26G>A on transcript NM_001099403.2 (MANE Select); coding-DNA position 26, G replaced by A.
Protein change: p.Gly9Asp; replaces glycine 9 with aspartic acid.
Molecular consequence: missense variant.
Genome position (GRCh38, 1-based): chr4:80,200,106, G>A. VCF-style: chr4-80200106-G-A. GRCh37 (hg19) VCF-style: chr4-81121260-G-A.
Other names: c.26G>A, p.Gly9Asp (NM_020226.4); short protein forms G9D.
Identifiers: ClinVar variation 475679 (VCV000475679.7), dbSNP rs756625230, ClinGen allele CA2982110.